The following is an entry in ClinVar:

ClinVar aggregate classification (germline): Uncertain significance (1 of 4 stars; one submission).

Conditions:
Atrioventricular septal defect 5 (AVSD5). Identifiers: MedGen C3280939, MONDO:0013769, OMIM 614474.

Allele frequency attached by ClinVar (database versions not stated): gnomAD exomes below 0.00001.

Submission:

Labcorp Genetics (formerly Invitae), Labcorp
Classification: Uncertain significance for Atrioventricular septal defect 5. Last evaluated: 2023-05-15. Review status: criteria provided, single submitter. Criteria: Invitae Variant Classification Sherloc (09022015). Collection method: clinical testing. Allele origin: germline.
Comment: This variant has not been reported in the literature in individuals affected with GATA6-related conditions. The frequency data for this variant in the population databases is considered unreliable, as metrics indicate poor data quality at this position in the gnomAD database. This sequence change replaces glutamic acid, which is acidic and polar, with glycine, which is neutral and non-polar, at codon 110 of the GATA6 protein (p.Glu110Gly). ClinVar contains an entry for this variant (Variation ID: 2159604). In summary, the available evidence is currently insufficient to determine the role of this variant in disease. Therefore, it has been classified as a Variant of Uncertain Significance. An algorithm developed to predict the effect of missense changes on protein structure and function (PolyPhen-2) suggests that this variant is likely to be disruptive.

NM_005257.6(GATA6):c.329A>G (p.Glu110Gly)

Gene: GATA6 (GATA binding protein 6; plus strand). Cytogenetic location: 18q11.2.
Variant type: single nucleotide variant.
Coding change: c.329A>G on transcript NM_005257.6 (MANE Select); coding-DNA position 329, A replaced by G.
Protein change: p.Glu110Gly; replaces glutamic acid 110 with glycine.
Molecular consequence: missense variant.
Genome position (GRCh38, 1-based): chr18:22,171,473, A>G. VCF-style: chr18-22171473-A-G. GRCh37 (hg19) VCF-style: chr18-19751434-A-G.
Other names: short protein forms E110G.
Identifiers: ClinVar variation 2159604 (VCV002159604.4), dbSNP rs1413314599, ClinGen allele CA401799427.